The following is an entry in ClinVar:

ClinVar aggregate classification (germline): Likely pathogenic. Review status: criteria provided, multiple submitters, no conflicts (2 of 4 stars). 4 submissions from 4 submitters: Likely pathogenic (4). Last evaluated 2026-06-12.

Conditions:
ERF-related disorder. Also called: ERF-related condition; ERF-related disorders.
Common craniosynostosis syndromes.
Noonan-like syndrome. Also called: Noonan Syndrome-like disorder. Identifiers: MedGen C1834120. Disease mechanism: gain of function.

Allele frequency attached by ClinVar (database versions not stated): TOPMed below 0.00001.

Submissions (4):

Genetics Laboratory, Great Ormond Street Hospital NHS Foundation Trust, North Thames Genomic Laboratory Hub
Classification: Likely pathogenic for Common craniosynostosis syndromes. Last evaluated: 2026-06-12. Review status: criteria provided, single submitter. Criteria: ACGS Best Practice Guidelines for Variant Classification in Rare Disease 2024 v1.2. Collection method: clinical testing. Allele origin: germline. Affected: yes.
Comment: PS4_moderate, PM2_moderate, PM1_supporting, PM6_moderate, PP4_supporting

Department of Medical Genetics, Tohoku University School of Medicine
Classification: Likely pathogenic for Noonan Syndrome-like disorder. Last evaluated: 2025-01-10. Review status: criteria provided, single submitter. Criteria: ACMG Guidelines, 2015. Collection method: research. Allele origin: inherited. Affected: yes.
Comment: This variant is located in DNA-binding domain (PMID: 33175491), and is absent in gnomAD 4.1. Multiple lines of computational prediction suggest pathogenic. Furthermore, it has been reported in symptomatic individuals (PMID: 30758909, ClinVar variant ID:1098386). PM1, PM2, PP3, PP5

Blueprint Genetics
Classification: Likely pathogenic for ERF-related disorders. Last evaluated: 2024-10-11. Review status: criteria provided, single submitter. Criteria: ACMG Guidelines, 2015. Collection method: clinical testing. Allele origin: germline. Affected: yes. Observed: 1 variant allele.

Genetics Laboratory, UDIAT-Centre Diagnòstic, Hospital Universitari Parc Tauli
Classification: Likely pathogenic. Last evaluated: 2021-04-26. Review status: criteria provided, single submitter. Criteria: Parc Tauli Hospital Assertion Criteria 2021. Collection method: clinical testing. Allele origin: de novo. Inheritance: Autosomal dominant inheritance. Affected: yes. Observed: 1 heterozygote.
Comment: PM1_moderate;PM2_supporting;PM6_moderate;PP2_supporting;PP3_supporting

NM_006494.4(ERF):c.157G>A (p.Gly53Arg)

Gene: ERF (ETS2 repressor factor; minus strand). Cytogenetic location: 19q13.2.
Variant type: single nucleotide variant.
Coding change: c.157G>A on transcript NM_006494.4 (MANE Select); coding-DNA position 157, G replaced by A.
Protein change: p.Gly53Arg; replaces glycine 53 with arginine.
Molecular consequence: missense variant. On other transcripts: 5 prime UTR variant (3).
Genome position (GRCh38, 1-based): chr19:42,250,431, C>T on the plus strand (G>A on the coding strand, the complement: ERF is on the minus strand). VCF-style: chr19-42250431-C-T. GRCh37 (hg19) VCF-style: chr19-42754583-C-T.
Other names: c.-69G>A (NM_001301035.2, NM_001308402.2, NM_001312656.2); short protein forms G53R.
Identifiers: ClinVar variation 1098386 (VCV001098386.6), dbSNP rs2036425566, ClinGen allele CA406115253.